The following is an entry in ClinVar:

NM_181486.4(TBX5):c.982+16C>T

Gene: TBX5 (T-box transcription factor 5; minus strand). Cytogenetic location: 12q24.21.
Variant type: single nucleotide variant.
Coding change: c.982+16C>T on transcript NM_181486.4 (MANE Select); 16 bases into the intron after coding-DNA position 982, C replaced by T.
Molecular consequence: intron variant.
Genome position (GRCh38, 1-based): chr12:114,366,149, G>A on the plus strand (C>T on the coding strand, the complement: TBX5 is on the minus strand). VCF-style: chr12-114366149-G-A. GRCh37 (hg19) VCF-style: chr12-114803954-G-A.
Other names: c.832+16C>T (NM_080717.4); c.982+16C>T (NM_000192.3, NM_181486.2).
Identifiers: ClinVar variation 255494 (VCV000255494.42), dbSNP rs28730762, ClinGen allele CA6809460.

ClinVar aggregate classification (germline): Benign/Likely benign. Review status: criteria provided, multiple submitters, no conflicts (2 of 4 stars). 11 submissions from 11 submitters: Benign (5); Likely benign (4). 2 of the submissions do not count toward it. Last evaluated 2026-07-01.

Conditions:
Aortic valve disease 2 (AOVD2). Identifiers: MedGen C3542024, MONDO:0013902, OMIM 614823.

Allele frequency attached by ClinVar (database versions not stated): 1000 Genomes Project 0.00240; 1000 Genomes Project 30x 0.00265; ExAC 0.00534; gnomAD exomes 0.00545 and 0.00910; gnomAD 0.00670 and 0.00694; TOPMed 0.00675; ESP Exome Variant Server 0.00715.
gnomAD v4.1: 14,179 of 1,610,238 alleles (0.88%); highest among the groups gnomAD compares: Non-Finnish European, 1.1%; 74 homozygotes.

Submissions (11):

CeGaT Center for Human Genetics Tuebingen
Classification: Benign. Last evaluated: 2026-07-01. Review status: criteria provided, single submitter. Criteria: CeGaT Center For Human Genetics Tuebingen Variant Classification Criteria Version 2. Collection method: clinical testing. Allele origin: germline. Affected: yes. Observed: 11 variant alleles.
Comment: TBX5: BP4, BS1, BS2

Labcorp Genetics (formerly Invitae), Labcorp
Classification: Benign for Aortic valve disease 2. Last evaluated: 2026-01-26. Review status: criteria provided, single submitter. Criteria: Invitae Variant Classification Sherloc (09022015). Collection method: clinical testing. Allele origin: germline.

Molecular Diagnostic Laboratory for Inherited Cardiovascular Disease, Montreal Heart Institute
Classification: Benign. Last evaluated: 2025-04-09. Review status: criteria provided, single submitter. Criteria: ACMG Guidelines, 2015. Collection method: clinical testing. Allele origin: germline. Affected: no.

Blueprint Genetics
Classification: Likely benign. Last evaluated: 2024-11-27. Review status: criteria provided, single submitter. Criteria: ACMG Guidelines, 2015. Collection method: clinical testing. Allele origin: germline.

Women's Health and Genetics/Laboratory Corporation of America, LabCorp
Classification: Benign. Last evaluated: 2024-09-14. Review status: criteria provided, single submitter. Criteria: LabCorp Variant Classification Summary - May 2015. Collection method: clinical testing. Allele origin: germline.

Center for Pediatric Genomic Medicine, Children's Mercy Hospital and Clinics
Classification: Likely benign. Last evaluated: 2017-04-28. Review status: criteria provided, single submitter. Criteria: ACMG Guidelines, 2015. Collection method: clinical testing. Allele origin: germline.

GeneDx
Classification: Benign. Last evaluated: 2015-03-03. Review status: criteria provided, single submitter. Criteria: GeneDx Variant Classification Process June 2021. Collection method: clinical testing. Allele origin: germline. Affected: yes.

Breakthrough Genomics
Classification: Likely benign. Review status: criteria provided, single submitter. Criteria: ACMG Guidelines, 2015. Collection method: not provided. Allele origin: germline. Inheritance: Autosomal dominant inheritance. Affected: yes.

PreventionGenetics, part of Exact Sciences
Classification: Likely benign. Review status: criteria provided, single submitter. Criteria: ACMG Guidelines, 2015. Collection method: clinical testing. Allele origin: germline.

Clinical Genetics DNA and cytogenetics Diagnostics Lab, Erasmus MC, Erasmus Medical Center
Classification: Benign. Review status: no assertion criteria provided. Collection method: clinical testing. Allele origin: germline. Affected: yes. Study: VKGL Data-share Consensus. Not counted in ClinVar's aggregate classification.

Joint Genome Diagnostic Labs from Nijmegen and Maastricht, Radboudumc and MUMC+
Classification: Likely benign. Review status: no assertion criteria provided. Collection method: clinical testing. Allele origin: germline. Affected: yes. Study: VKGL Data-share Consensus. Not counted in ClinVar's aggregate classification.